The following is an entry in ClinVar:

NM_001845.6(COL4A1):c.3821C>G (p.Pro1274Arg)

Gene: COL4A1 (collagen type IV alpha 1 chain; minus strand). Cytogenetic location: 13q34.
Variant type: single nucleotide variant.
Coding change: c.3821C>G on transcript NM_001845.6 (MANE Select); coding-DNA position 3821, C replaced by G.
Protein change: p.Pro1274Arg; replaces proline 1274 with arginine.
Molecular consequence: missense variant.
Genome position (GRCh38, 1-based): chr13:110,169,684, G>C on the plus strand (C>G on the coding strand, the complement: COL4A1 is on the minus strand). VCF-style: chr13-110169684-G-C. GRCh37 (hg19) VCF-style: chr13-110822031-G-C.
Other names: short protein forms P1274R.
Identifiers: ClinVar variation 4704917 (VCV004704917.1).

ClinVar aggregate classification (germline): Uncertain significance (1 of 4 stars; one submission).

gnomAD v4.1: 2 of 1,614,108 alleles (0.00012%); highest among the groups gnomAD compares: Admixed American, 0.0033%; no homozygotes.

Submission:

Labcorp Genetics (formerly Invitae), Labcorp
Classification: Uncertain significance. Last evaluated: 2025-05-11. Review status: criteria provided, single submitter. Criteria: Invitae Variant Classification Sherloc (09022015). Collection method: clinical testing. Allele origin: germline.
Comment: This sequence change replaces proline, which is neutral and non-polar, with arginine, which is basic and polar, at codon 1274 of the COL4A1 protein (p.Pro1274Arg). This variant is present in population databases (rs780605493, gnomAD 0.009%). This variant has not been reported in the literature in individuals affected with COL4A1-related conditions. Invitae Evidence Modeling of protein sequence and biophysical properties (such as structural, functional, and spatial information, amino acid conservation, physicochemical variation, residue mobility, and thermodynamic stability) indicates that this missense variant is not expected to disrupt COL4A1 protein function with a negative predictive value of 95%. In summary, the available evidence is currently insufficient to determine the role of this variant in disease. Therefore, it has been classified as a Variant of Uncertain Significance.